The following is an entry in ClinVar:

ClinVar aggregate classification (germline): Likely pathogenic (1 of 4 stars; one submission).

Conditions:
Hereditary breast ovarian cancer syndrome. Also called: Hereditary breast and ovarian cancer; Breast and ovarian cancer; BRCA1- and BRCA2-Associated Hereditary Breast and Ovarian Cancer; Hereditary breast and/or ovarian cancer syndrome; Hereditary breast and ovarian cancer syndrome; Hereditary breast and ovarian cancer syndrome (HBOC). Identifiers: Orphanet 145, MedGen C0677776, MeSH D061325, MONDO:0003582. Disease mechanism: loss of function.

Allele frequency attached by ClinVar (database versions not stated): gnomAD exomes below 0.00001.
gnomAD v4.1: 1 of 1,614,182 alleles (0.000062%); highest among the groups gnomAD compares: Non-Finnish European, 0.000085%; no homozygotes.

Submission:

Labcorp Genetics (formerly Invitae), Labcorp
Classification: Likely pathogenic for Hereditary breast ovarian cancer syndrome. Last evaluated: 2022-03-23. Review status: criteria provided, single submitter. Criteria: Invitae Variant Classification Sherloc (09022015). Collection method: clinical testing. Allele origin: germline.
Comment: This variant is not present in population databases (gnomAD no frequency). This sequence change replaces tyrosine, which is neutral and polar, with asparagine, which is neutral and polar, at codon 2726 of the BRCA2 protein (p.Tyr2726Asn). This variant has not been reported in the literature in individuals affected with BRCA2-related conditions. Advanced modeling of protein sequence and biophysical properties (such as structural, functional, and spatial information, amino acid conservation, physicochemical variation, residue mobility, and thermodynamic stability) performed at Invitae indicates that this missense variant is expected to disrupt BRCA2 protein function. This variant disrupts the p.Tyr2726 amino acid residue in BRCA2. Other variant(s) that disrupt this residue have been determined to be pathogenic (PMID: 23108138, 25452441, 27495310, 29394989). This suggests that this residue is clinically significant, and that variants that disrupt this residue are likely to be disease-causing. In summary, the currently available evidence indicates that the variant is pathogenic, but additional data are needed to prove that conclusively. Therefore, this variant has been classified as Likely Pathogenic.

Literature cited by the submitters: PubMed 23108138; PubMed 25452441; PubMed 27495310; PubMed 29394989.

NM_000059.4(BRCA2):c.8176T>A (p.Tyr2726Asn)

Gene: BRCA2 (BRCA2 DNA repair associated; plus strand). Cytogenetic location: 13q13.1.
Variant type: single nucleotide variant.
Coding change: c.8176T>A on transcript NM_000059.4 (MANE Select); coding-DNA position 8176, T replaced by A.
Protein change: p.Tyr2726Asn; replaces tyrosine 2726 with asparagine.
Molecular consequence: missense variant.
Genome position (GRCh38, 1-based): chr13:32,363,378, T>A. VCF-style: chr13-32363378-T-A. GRCh37 (hg19) VCF-style: chr13-32937515-T-A.
Other names: short protein forms Y2726N.
Identifiers: ClinVar variation 1505734 (VCV001505734.6), dbSNP rs2137581441, ClinGen allele CA387749624.
Genomic context (GRCh38, chr13:32,363,378, plus strand): 5'-AATAAAACTAGTAGTGCAGATACCCAAAAAGTGGCCATTATTGAACTTACAGATGGGTGG[T>A]ATGCTGTTAAGGCCCAGTTAGATCCTCCCCTCTTAGCTGTCTTAAAGAATGGCAGACTGA-3'
Protein context (NP_000050.3, residues 2716-2736): VAIIELTDGW[Tyr2726Asn]AVKAQLDPPL